The following is an entry in ClinVar:

ClinVar aggregate classification (germline): Uncertain significance (1 of 4 stars; one submission).

Submission:

Labcorp Genetics (formerly Invitae), Labcorp
Classification: Uncertain significance. Last evaluated: 2025-10-06. Review status: criteria provided, single submitter. Criteria: Invitae Variant Classification Sherloc (09022015). Collection method: clinical testing. Allele origin: germline.
Comment: This sequence change replaces proline, which is neutral and non-polar, with threonine, which is neutral and polar, at codon 158 of the BGN protein (p.Pro158Thr). This variant is not present in population databases (gnomAD no frequency). This variant has not been reported in the literature in individuals affected with BGN-related conditions. Invitae Evidence Modeling of protein sequence and biophysical properties (such as structural, functional, and spatial information, amino acid conservation, physicochemical variation, residue mobility, and thermodynamic stability) has been performed for this missense variant. However, the output from this modeling did not meet the statistical confidence thresholds required to predict the impact of this variant on BGN protein function. In summary, the available evidence is currently insufficient to determine the role of this variant in disease. Therefore, it has been classified as a Variant of Uncertain Significance.

NM_001711.6(BGN):c.472C>A (p.Pro158Thr)

Gene: BGN (biglycan; plus strand). Cytogenetic location: Xq28.
Variant type: single nucleotide variant.
Coding change: c.472C>A on transcript NM_001711.6 (MANE Select); coding-DNA position 472, C replaced by A.
Protein change: p.Pro158Thr; replaces proline 158 with threonine.
Molecular consequence: missense variant.
Genome position (GRCh38, 1-based): chrX:153,505,983, C>A. VCF-style: chrX-153505983-C-A. GRCh37 (hg19) VCF-style: chrX-152771441-C-A.
Other names: short protein forms P158T.
Identifiers: ClinVar variation 4744848 (VCV004744848.1).